The following is an entry in ClinVar:

ClinVar aggregate classification (germline): Pathogenic (1 of 4 stars; one submission).

Conditions:
CHARGE syndrome (CHARGE). Also called: Hittner Hirsch Kreh syndrome; CHARGE ASSOCIATION--COLOBOMA, HEART ANOMALY, CHOANAL ATRESIA, RETARDATION, GENITAL AND EAR ANOMALIES; Coloboma, heart anomaly, choanal atresia, retardation, genital and ear anomalies; CHARGE association; Hall-Hittner syndrome. Identifiers: Orphanet 138, MedGen C0265354, MONDO:0008965.

Submission:

Labcorp Genetics (formerly Invitae), Labcorp
Classification: Pathogenic for CHARGE syndrome. Last evaluated: 2024-10-16. Review status: criteria provided, single submitter. Criteria: Invitae Variant Classification Sherloc (09022015). Collection method: clinical testing. Allele origin: germline.
Comment: This sequence change creates a premature translational stop signal (p.Gly2901Alafs*16) in the CHD7 gene. While this is not anticipated to result in nonsense mediated decay, it is expected to disrupt the last 97 amino acid(s) of the CHD7 protein. This variant is not present in population databases (gnomAD no frequency). This variant has not been reported in the literature in individuals affected with CHD7-related conditions. This variant disrupts a region of the CHD7 protein in which other variant(s) (p.Asp2988Glyfs*2) have been determined to be pathogenic (PMID: 18073582, 31564432). This suggests that this is a clinically significant region of the protein, and that variants that disrupt it are likely to be disease-causing. For these reasons, this variant has been classified as Pathogenic.

Literature cited by the submitters: PubMed 18073582; PubMed 31564432.

NM_017780.4(CHD7):c.8702del (p.Gly2901fs)

Gene: CHD7 (chromodomain helicase DNA binding protein 7; plus strand). Cytogenetic location: 8q12.2.
Variant type: Deletion.
Coding change: c.8702del on transcript NM_017780.4 (MANE Select); coding-DNA position 8702, one base deleted (G; older notation c.8702delG).
Protein change: p.Gly2901fs; shifts the reading frame from glycine 2901.
Molecular consequence: frameshift variant.
Genome position (GRCh38, 1-based): chr8:60,865,641, G deleted; the last of 3 consecutive G bases (chr8:60,865,639-60,865,641); deleting any one gives the same sequence. VCF-style (leftmost placement, unchanged base first): chr8-60865638-CG-C. GRCh37 (hg19) VCF-style: chr8-61778197-CG-C.
Other names: c.2555del, p.Gly852fs (NM_001316690.1); short protein forms G2901fs, G852fs.
Identifiers: ClinVar variation 3637366 (VCV003637366.2).
Genomic context (GRCh38, chr8:60,865,638, plus strand): 5'-CGGCTGGATTGCCCTCAAACCCGCTAGCCTTCAACCCTTTCCTCCTGTCCACAATGGCCC[CG>C]GGCCTCTTCTACCCATCCATGTTTCTACCTCCAGGACTGGGGGGATTGACGCTGCCTGGG-3'